The following is an entry in ClinVar:

NM_015192.4(PLCB1):c.3403A>G (p.Ile1135Val)

Gene: PLCB1 (phospholipase C beta 1; plus strand). Cytogenetic location: 20p12.3.
Variant type: single nucleotide variant.
Coding change: c.3403A>G on transcript NM_015192.4 (MANE Select); coding-DNA position 3403, A replaced by G.
Protein change: p.Ile1135Val; replaces isoleucine 1135 with valine.
Molecular consequence: missense variant.
Genome position (GRCh38, 1-based): chr20:8,790,241, A>G. VCF-style: chr20-8790241-A-G. GRCh37 (hg19) VCF-style: chr20-8770888-A-G.
Other names: c.3403A>G, p.Ile1135Val (NM_182734.3); short protein forms I1135V.
Identifiers: ClinVar variation 1731095 (VCV001731095.2), dbSNP rs2514449374, ClinGen allele CA408210156.
Genomic context (GRCh38, chr20:8,790,241, plus strand): 5'-GAAGCGCAAAGTAAACGGCAAGAAAAACTCGTAGAGAAACACAAGGAAATACGTCAGCAG[A>G]TCCTGGATGAAAAGCCCAAGGTAAACGGAACTGAATTAAAATGAACAATTATTTTATTTG-3'
Protein context (NP_056007.1, residues 1125-1145): VEKHKEIRQQ[Ile1135Val]LDEKPKLQVE

ClinVar aggregate classification (germline): Uncertain significance (1 of 4 stars; one submission).

Conditions:
Inborn genetic diseases. Identifiers: MedGen C0950123, MeSH D030342.

Submission:

Ambry Genetics
Classification: Uncertain significance for Inborn genetic diseases. Last evaluated: 2019-07-30. Review status: criteria provided, single submitter. Criteria: Ambry Variant Classification Scheme 2023. Collection method: clinical testing. Allele origin: germline.
Comment: The p.I1135V variant (also known as c.3403A>G), located in coding exon 31 of the PLCB1 gene, results from an A to G substitution at nucleotide position 3403. The isoleucine at codon 1135 is replaced by valine, an amino acid with highly similar properties. This amino acid position is highly conserved in available vertebrate species. In addition, the in silico prediction for this alteration is inconclusive. Since supporting evidence is limited at this time, the clinical significance of this alteration remains unclear.